The following is an entry in ClinVar:

NC_000012.11:g.(6184718_6204625)_(6233837_?)dup

Gene: VWF (von Willebrand factor; minus strand). Cytogenetic location: 12p13.31.
Variant type: Duplication.
Identifiers: ClinVar variation 2682207 (VCV002682207.1).

ClinVar aggregate classification (germline): Uncertain significance (1 of 4 stars; one submission).

Submission:

Women's Health and Genetics/Laboratory Corporation of America, LabCorp
Classification: Uncertain significance. Last evaluated: 2023-11-21. Review status: criteria provided, single submitter. Criteria: LabCorp Variant Classification Summary - May 2015. Collection method: clinical testing. Allele origin: germline.
Comment: Variant summary: The variant involves the duplication of exons 1-6 in the VWF gene, where exon 2 contains the initiation codon. A presumed nomenclature of c.(?_-251)_(657+1_658-1)dup has been designated for the purposes of this classification. The exact breakpoint at the 5' end of this variant is unknown, therefore this duplication may extend upstream of the annotated region of this gene. It is predicted to duplicate a segment including the initiation codon, therefore its impact on the encoded protein is unknown. The variant allele was found at a frequency of 0.00014 in 21694 control chromosomes (i.e., 3 heterozygotes; gnomAD Structural Variants v2.1 dataset). The available data on variant occurrences in the general population are insufficient to allow any conclusion about variant significance. To our knowledge, no occurrence of c.(?_-251)_(657+1_658-1)dup in individuals affected with Von Willebrand Disease and no experimental evidence demonstrating its impact on protein function have been reported. No submitters have reported clinical-significance assessments for this variant to ClinVar after 2014. Based on the evidence outlined above, the variant was classified as uncertain significance.